The following is an entry in ClinVar:

NM_006996.3(SLC19A2):c.31G>T (p.Ala11Ser)

Genes: SLC19A2 (solute carrier family 19 member 2; minus strand), LOC129931894 (ATAC-STARR-seq lymphoblastoid silent region 1546; plus strand). Cytogenetic location: 1q24.2.
Variant type: single nucleotide variant.
Coding change: c.31G>T on transcript NM_006996.3 (MANE Select); coding-DNA position 31, G replaced by T.
Protein change: p.Ala11Ser; replaces alanine 11 with serine.
Molecular consequence: missense variant.
Genome position (GRCh38, 1-based): chr1:169,485,736, C>A on the plus strand (G>T on the coding strand, the complement: SLC19A2 is on the minus strand). VCF-style: chr1-169485736-C-A. GRCh37 (hg19) VCF-style: chr1-169454974-C-A.
Other names: c.31G>T, p.Ala11Ser (NM_001319667.1); short protein forms A11S.
Identifiers: ClinVar variation 1713682 (VCV001713682.6), dbSNP rs1315351357, ClinGen allele CA343112580.

ClinVar aggregate classification (germline): Uncertain significance (1 of 4 stars; one submission).

Submission:

Labcorp Genetics (formerly Invitae), Labcorp
Classification: Uncertain significance. Last evaluated: 2024-12-09. Review status: criteria provided, single submitter. Criteria: Invitae Variant Classification Sherloc (09022015). Collection method: clinical testing. Allele origin: germline.
Comment: This sequence change replaces alanine, which is neutral and non-polar, with serine, which is neutral and polar, at codon 11 of the SLC19A2 protein (p.Ala11Ser). This variant is not present in population databases (gnomAD no frequency). This variant has not been reported in the literature in individuals affected with SLC19A2-related conditions. ClinVar contains an entry for this variant (Variation ID: 1713682). Invitae Evidence Modeling of protein sequence and biophysical properties (such as structural, functional, and spatial information, amino acid conservation, physicochemical variation, residue mobility, and thermodynamic stability) has been performed for this missense variant. However, the output from this modeling did not meet the statistical confidence thresholds required to predict the impact of this variant on SLC19A2 protein function. In summary, the available evidence is currently insufficient to determine the role of this variant in disease. Therefore, it has been classified as a Variant of Uncertain Significance.